The following is an entry in ClinVar:

ClinVar aggregate classification (germline): Conflicting classifications of pathogenicity. Review status: criteria provided, conflicting classifications (1 of 4 stars). 4 submissions from 4 submitters: Uncertain significance (3); Likely benign (1). Last evaluated 2024-09-05.

Conditions:
Hereditary von Willebrand disease. Identifiers: Orphanet 903, MedGen C5703318, MONDO:0019565. Inheritance: Autosomal recessive or Autosomal dominant.

Allele frequency attached by ClinVar (database versions not stated): gnomAD 0.00001 and 0.00019; TOPMed 0.00003; gnomAD exomes 0.00031 and 0.00083; 1000 Genomes Project 0.00160; 1000 Genomes Project 30x 0.00187; ExAC 0.00305.
gnomAD v4.1: 461 of 1,533,938 alleles (0.03%); highest among the groups gnomAD compares: South Asian, 0.52%; 1 homozygote.

Submissions (4):

Blueprint Genetics
Classification: Likely benign. Last evaluated: 2024-09-05. Review status: criteria provided, single submitter. Criteria: ACMG Guidelines, 2015. Collection method: clinical testing. Allele origin: germline.

Women's Health and Genetics/Laboratory Corporation of America, LabCorp
Classification: Uncertain significance. Last evaluated: 2023-02-26. Review status: criteria provided, single submitter. Criteria: LabCorp Variant Classification Summary - May 2015. Collection method: clinical testing. Allele origin: germline.
Comment: Variant summary: VWF c.1730-5C>T alters a non-conserved nucleotide located close to a canonical splice site and therefore could affect mRNA splicing, leading to a significantly altered protein sequence. 4/4 computational tools predict no significant impact on normal splicing. However, these predictions have yet to be confirmed by functional studies. The variant allele was found at a frequency of 0.00083 in 131918 control chromosomes (gnomAD), predominantly at a frequency of 0.005 within the South Asian subpopulation in the gnomAD database. c.1730-5C>T has been reported in the literature in one homozygous individual affected with Von Willebrand Disease (Elayaperumal_2018). These data indicate that the variant may be associated with disease. To our knowledge, no experimental evidence demonstrating an impact on protein function has been reported. Two ClinVar submitters have assessed the variant since 2014: both classified the variant as uncertain significance. Based on the evidence outlined above, the variant was classified as VUS-possibly pathogenic.

Quest Diagnostics Nichols Institute San Juan Capistrano
Classification: Uncertain significance. Last evaluated: 2018-03-16. Review status: criteria provided, single submitter. Criteria: Quest Diagnostics criteria. Collection method: clinical testing. Allele origin: germline.

Illumina Laboratory Services, Illumina
Classification: Uncertain significance for von Willebrand disorder. Last evaluated: 2018-01-12. Review status: criteria provided, single submitter. Criteria: ICSL Variant Classification Criteria 13 December 2019. Collection method: clinical testing. Allele origin: germline.

Literature cited by the submitters: PubMed 34662354 (cited by Women's Health and Genetics/Laboratory Corporation of America, LabCorp); PubMed 29984440 (cited by Women's Health and Genetics/Laboratory Corporation of America, LabCorp).

NM_000552.5(VWF):c.1730-5C>T

Gene: VWF (von Willebrand factor; minus strand). Cytogenetic location: 12p13.31.
Variant type: single nucleotide variant.
Coding change: c.1730-5C>T on transcript NM_000552.5 (MANE Select); 5 bases into the intron before coding-DNA position 1730, C replaced by T.
Molecular consequence: intron variant.
Genome position (GRCh38, 1-based): chr12:6,057,077, G>A on the plus strand (C>T on the coding strand, the complement: VWF is on the minus strand). VCF-style: chr12-6057077-G-A. GRCh37 (hg19) VCF-style: chr12-6166243-G-A.
Other names: c.1730-5C>T (NM_000552.4).
Identifiers: ClinVar variation 310082 (VCV000310082.9), dbSNP rs569984866, ClinGen allele CA6403275.